The following is an entry in ClinVar:

ClinVar aggregate classification (germline): Likely benign. Review status: reviewed by expert panel (3 of 4 stars). 6 submissions from 6 submitters: Likely benign (1). 5 of the submissions do not count toward it. Last evaluated 2017-06-29.

Conditions:
Hereditary breast ovarian cancer syndrome. Also called: Breast and ovarian cancer; Hereditary breast and ovarian cancer; Hereditary breast and ovarian cancer syndrome; Hereditary breast and/or ovarian cancer syndrome; BRCA1- and BRCA2-Associated Hereditary Breast and Ovarian Cancer; Hereditary breast and ovarian cancer syndrome (HBOC). Identifiers: Orphanet 145, MedGen C0677776, MeSH D061325, MONDO:0003582. Disease mechanism: loss of function.
Breast-ovarian cancer, familial, susceptibility to, 1 (BROVCA1). Also called: BRCA1 Hereditary Breast and Ovarian Cancer; OVARIAN CANCER, SUSCEPTIBILITY TO. Identifiers: Orphanet 145, MedGen C2676676, MONDO:0011450, OMIM 604370. Disease mechanism: loss of function.
Familial pancreatic carcinoma. Identifiers: Orphanet 1333, MedGen C2931038, MONDO:0015278, OMIM 260350.
Hereditary cancer-predisposing syndrome. Also called: Tumor predisposition; Hereditary Cancer Syndrome; Neoplastic Syndromes, Hereditary; Hereditary neoplastic syndrome. Identifiers: Orphanet 140162, MedGen C0027672, MeSH D009386, MONDO:0015356.

Submissions (6):

Evidence-based Network for the Interpretation of Germline Mutant Alleles (ENIGMA)
Classification: Likely benign for Breast-ovarian cancer, familial, susceptibility to, 1. Last evaluated: 2017-06-29. Review status: reviewed by expert panel. Criteria: ENIGMA BRCA1/2 Classification Criteria (2017-06-29). Collection method: curation. Allele origin: germline.
Comment: Synonymous substitution variant, with low bioinformatic likelihood to result in a splicing aberration (Splicing prior probability 0.02).

Labcorp Genetics (formerly Invitae), Labcorp
Classification: Likely benign for Hereditary breast ovarian cancer syndrome. Last evaluated: 2024-11-18. Review status: criteria provided, single submitter. Criteria: Invitae Variant Classification Sherloc (09022015). Collection method: clinical testing. Allele origin: germline. Not counted in ClinVar's aggregate classification.

Department of Pathology and Laboratory Medicine, Sinai Health System
Classification: Likely benign for Hereditary breast ovarian cancer syndrome; Familial pancreatic carcinoma. Last evaluated: 2021-06-23. Review status: criteria provided, single submitter. Criteria: ACMG Guidelines, 2015. Collection method: clinical testing. Allele origin: germline. Affected: yes. Not counted in ClinVar's aggregate classification.

Ambry Genetics
Classification: Likely benign for Hereditary cancer-predisposing syndrome. Last evaluated: 2019-12-30. Review status: criteria provided, single submitter. Criteria: Ambry Variant Classification Scheme 2023. Collection method: clinical testing. Allele origin: germline. Not counted in ClinVar's aggregate classification.

Color Diagnostics, LLC DBA Color Health
Classification: Likely benign for Hereditary cancer-predisposing syndrome. Last evaluated: 2016-11-03. Review status: criteria provided, single submitter. Criteria: ACMG Guidelines, 2015. Collection method: clinical testing. Allele origin: germline. Not counted in ClinVar's aggregate classification.

Molecular Genetics Laboratory, University of Michigan
Classification: Uncertain significance for Breast-ovarian cancer, familial, susceptibility to, 1. Last evaluated: 2016-04-21. Review status: criteria provided, single submitter. Criteria: ACMG Guidelines, 2015. Collection method: clinical testing. Allele origin: germline. Affected: yes. Not counted in ClinVar's aggregate classification.

NM_007294.4(BRCA1):c.1983G>A (p.Arg661=)

Gene: BRCA1 (BRCA1 DNA repair associated; minus strand). Cytogenetic location: 17q21.31.
Variant type: single nucleotide variant.
Coding change: c.1983G>A on transcript NM_007294.4 (MANE Select); coding-DNA position 1983, G replaced by A.
Protein change: p.Arg661=; no amino-acid change (arginine 661 retained).
Molecular consequence: synonymous variant. On other transcripts: intron variant (137).
Genome position (GRCh38, 1-based): chr17:43,093,548, C>T on the plus strand (G>A on the coding strand, the complement: BRCA1 is on the minus strand). VCF-style: chr17-43093548-C-T. GRCh37 (hg19) VCF-style: chr17-41245565-C-T.
Other names: c.664+1196G>A (NM_001408430.1, NM_001408427.1, NM_001408443.1 and 12 more transcripts); c.670+2298G>A (NM_001408423.1, NM_001408420.1, NM_001408419.1 and 2 more transcripts); c.787+1196G>A (NM_001408404.1, NM_001408472.1, NM_001407990.1 and 19 more transcripts); c.577+1196G>A (NM_001408492.1, NM_001408513.1, NM_001408489.1 and 9 more transcripts); c.643+1196G>A (NM_001408468.1, NM_001408465.1, NM_001408463.1 and 3 more transcripts); c.523+1196G>A (NM_001408501.1, NM_001408500.1, NM_001408497.1 and 3 more transcripts); c.646+1196G>A (NM_001408455.1, NM_001408466.1, NM_001408452.1 and 11 more transcripts); c.520+1196G>A (NM_001408503.1, NM_001408505.1, NM_001408504.1); and 40 more.
Identifiers: ClinVar variation 225729 (VCV000225729.18), dbSNP rs869320788, ClinGen allele CA10576085.
Genomic context (GRCh38, chr17:43,093,548, plus strand): 5'-ACTCTTCTTGGCTCCAGTTGCAGGTTCTTTACCTTCCATGAGTTGTAGGTTTCTGCTGTG[C>T]CTGACTGGCATTTGGTTGTACTTTTTTTTCTTTATCTCTTCACTGCTAGAACAACTATCA-3'
Protein context (NP_009225.1, residues 651-671): KKKKYNQMPV[Arg661=]HSRNLQLMEG